The following is an entry in ClinVar:

NM_000030.3(AGXT):c.839C>T (p.Ala280Val)

Gene: AGXT (alanine--glyoxylate aminotransferase; plus strand). Cytogenetic location: 2q37.3.
Variant type: single nucleotide variant.
Coding change: c.839C>T on transcript NM_000030.3 (MANE Select); coding-DNA position 839, C replaced by T.
Protein change: p.Ala280Val; replaces alanine 280 with valine.
Molecular consequence: missense variant.
Genome position (GRCh38, 1-based): chr2:240,875,997, C>T. VCF-style: chr2-240875997-C-T. GRCh37 (hg19) VCF-style: chr2-241815414-C-T.
Other names: short protein forms A280V.
Identifiers: ClinVar variation 204052 (VCV000204052.24), dbSNP rs73106685, ClinGen allele CA275593.
Genomic context (GRCh38, chr2:240,875,997, plus strand): 5'-ACCATCACACAATCCCCGTCATCAGCCTGTACAGCCTGAGAGAGAGCCTGGCCCTCATTG[C>T]GGAACAGGTGCATGGGCTGCACTCCACAGGAGGAGACAGGGCCACTGGCTGGATTGTCGA-3'
Protein context (NP_000021.1, residues 270-290): YSLRESLALI[Ala280Val]EQGLENSWRQ

ClinVar aggregate classification (germline): Benign/Likely benign. Review status: criteria provided, multiple submitters, no conflicts (2 of 4 stars). 7 submissions from 7 submitters: Benign (2); Likely benign (2). 3 of the submissions do not count toward it. Last evaluated 2026-02-04.

Conditions:
AGXT-related disorder. Also called: AGXT-related condition.
Primary hyperoxaluria, type I (HP1). Also called: GLYCOLIC ACIDURIA; HEPATIC AGT DEFICIENCY; OXALOSIS I; Primary hyperoxaluria type 1. Identifiers: Orphanet 416, Orphanet 93598, MedGen C0268164, MONDO:0009823, OMIM 259900. Disease mechanism: loss of function.

Allele frequency attached by ClinVar (database versions not stated): 1000 Genomes Project 30x 0.01343; TOPMed 0.01203; 1000 Genomes Project 0.01198; ESP Exome Variant Server 0.01084.
gnomAD v4.1: 3,164 of 1,614,066 alleles (0.2%); highest among the groups gnomAD compares: African/African-American, 3.6%; 42 homozygotes.

Submissions (7):

Labcorp Genetics (formerly Invitae), Labcorp
Classification: Benign. Last evaluated: 2026-02-04. Review status: criteria provided, single submitter. Criteria: Invitae Variant Classification Sherloc (09022015). Collection method: clinical testing. Allele origin: germline.

GeneDx
Classification: Likely benign. Last evaluated: 2020-04-09. Review status: criteria provided, single submitter. Criteria: GeneDx Variant Classification Process June 2021. Collection method: clinical testing. Allele origin: germline. Affected: yes.

Illumina Laboratory Services, Illumina
Classification: Benign for Primary hyperoxaluria, type I. Last evaluated: 2017-04-27. Review status: criteria provided, single submitter. Criteria: ICSL Variant Classification Criteria 13 December 2019. Collection method: clinical testing. Allele origin: germline.
Comment: This variant was observed as part of a predisposition screen in an ostensibly healthy population. A literature search was performed for the gene, cDNA change, and amino acid change (where applicable). Publications were found based on this search. The evidence from the literature, in combination with allele frequency data from public databases where available, was sufficient to rule this variant out of causing disease. Therefore, this variant is classified as benign.

Breakthrough Genomics
Classification: Likely benign. Review status: criteria provided, single submitter. Criteria: ACMG Guidelines, 2015. Collection method: not provided. Allele origin: germline. Inheritance: Autosomal recessive inheritance. Affected: yes.

Natera, Inc.
Classification: Benign for Primary hyperoxaluria type I. Last evaluated: 2019-12-02. Review status: no assertion criteria provided. Collection method: clinical testing. Allele origin: germline. Not counted in ClinVar's aggregate classification.

PreventionGenetics, part of Exact Sciences
Classification: Benign for AGXT-related condition. Last evaluated: 2019-03-26. Review status: no assertion criteria provided. Collection method: clinical testing. Allele origin: germline. Not counted in ClinVar's aggregate classification.
Comment: This variant is classified as benign based on ACMG/AMP sequence variant interpretation guidelines (Richards et al. 2015 PMID: 25741868, with internal and published modifications).

Clinical Biochemistry Laboratory, Health Services Laboratory
Classification: Uncertain significance for Primary hyperoxaluria, type I. Last evaluated: 2014-11-27. Review status: no assertion criteria provided. Collection method: in vitro. Allele origin: germline. Affected: yes. Not counted in ClinVar's aggregate classification.

Literature cited by the submitters: PubMed 15963748 (cited by Illumina Laboratory Services, Illumina and Clinical Biochemistry Laboratory, Health Services Laboratory).